The following is an entry in ClinVar:

NM_005546.4(ITK):c.*1083A>G

Gene: ITK (IL2 inducible T cell kinase; plus strand). Cytogenetic location: 5q33.3.
Variant type: single nucleotide variant.
Coding change: c.*1083A>G on transcript NM_005546.4 (MANE Select); 1083 bases downstream of the stop codon, A replaced by G.
Molecular consequence: 3 prime UTR variant.
Genome position (GRCh38, 1-based): chr5:157,253,761, A>G. VCF-style: chr5-157253761-A-G. GRCh37 (hg19) VCF-style: chr5-156680771-A-G.
Identifiers: ClinVar variation 905744 (VCV000905744.4), dbSNP rs577431641, ClinGen allele CA130165426.

ClinVar aggregate classification (germline): Likely benign (1 of 4 stars; one submission).

Conditions:
Lymphoproliferative syndrome 1 (LPFS1). Identifiers: Orphanet 238505, Orphanet 538963, MedGen C3552634, MONDO:0013081, OMIM 613011.

Allele frequency attached by ClinVar (database versions not stated): gnomAD below 0.00001 and 0.00029; gnomAD exomes 0.00007; TOPMed 0.00008; 1000 Genomes Project 30x 0.00250; 1000 Genomes Project 0.00300.
gnomAD v4.1: 47 of 216,680 alleles (0.022%); highest among the groups gnomAD compares: South Asian, 0.88%; no homozygotes.

Submission:

Illumina Laboratory Services, Illumina
Classification: Likely benign for Lymphoproliferative syndrome 1. Last evaluated: 2018-01-13. Review status: criteria provided, single submitter. Criteria: ICSL Variant Classification Criteria 13 December 2019. Collection method: clinical testing. Allele origin: germline.
Comment: This variant was observed in the ICSL laboratory as part of a predisposition screen in an ostensibly healthy population. It had not been previously curated by ICSL or reported in the Human Gene Mutation Database (HGMD: prior to June 1st, 2018), and was therefore a candidate for classification through an automated scoring system. Utilizing variant allele frequency, disease prevalence and penetrance estimates, and inheritance mode, an automated score was calculated to assess if this variant is too frequent to cause the disease. Based on the score and internal cut-off values, a variant classified as likely benign is not then subjected to further curation. The score for this variant resulted in a classification of likely benign for this disease.